The following is an entry in ClinVar:

ClinVar aggregate classification (germline): Uncertain significance (1 of 4 stars; one submission).

Conditions:
Inborn genetic diseases. Identifiers: MedGen C0950123, MeSH D030342.

gnomAD v4.1: 26 of 1,614,212 alleles (0.0016%); highest among the groups gnomAD compares: East Asian, 0.0067%; no homozygotes.

Submission:

Ambry Genetics
Classification: Uncertain significance for Inborn genetic diseases. Last evaluated: 2026-06-09. Review status: criteria provided, single submitter. Criteria: Ambry Variant Classification Scheme 2023. Collection method: clinical testing. Allele origin: germline.
Comment: The p.R340Q variant (also known as c.1019G>A), located in coding exon 9 of the MCOLN1 gene, results from a G to A substitution at nucleotide position 1019. The arginine at codon 340 is replaced by glutamine, an amino acid with highly similar properties. This amino acid position is conserved. In addition, this alteration is predicted to be tolerated by in silico analysis. Based on the available evidence, the clinical significance of this variant remains unclear.

NM_020533.3(MCOLN1):c.1019G>A (p.Arg340Gln)

Gene: MCOLN1 (mucolipin TRP cation channel 1; plus strand). Cytogenetic location: 19p13.2.
Variant type: single nucleotide variant.
Coding change: c.1019G>A on transcript NM_020533.3 (MANE Select); coding-DNA position 1019, G replaced by A.
Protein change: p.Arg340Gln; replaces arginine 340 with glutamine.
Molecular consequence: missense variant.
Genome position (GRCh38, 1-based): chr19:7,528,855, G>A. VCF-style: chr19-7528855-G-A. GRCh37 (hg19) VCF-style: chr19-7593741-G-A.
Other names: short protein forms R340Q.
Identifiers: ClinVar variation 4859688 (VCV004859688.1).
Genomic context (GRCh38, chr19:7,528,855, plus strand): 5'-GCCCTCACCCCGCCTGCCTTCTGCAGGAGTTTGTGGGGTTCATGTGGCGGCAGCGGGGAC[G>A]GGTCATCAGCCTGTGGGAGCGGCTGGAATTTGTCAATGGCTGGTACATCCTGCTCGTCAC-3'
Protein context (NP_065394.1, residues 330-350): FVGFMWRQRG[Arg340Gln]VISLWERLEF